The following is an entry in ClinVar:

NM_001385125.1(OPN1SW):c.223T>C (p.Phe75Leu)

Gene: OPN1SW (opsin 1, short wave sensitive; minus strand). Cytogenetic location: 7q32.1.
Variant type: single nucleotide variant.
Coding change: c.223T>C on transcript NM_001385125.1 (MANE Select); coding-DNA position 223, T replaced by C.
Protein change: p.Phe75Leu; replaces phenylalanine 75 with leucine.
Molecular consequence: missense variant.
Genome position (GRCh38, 1-based): chr7:128,775,559, A>G on the plus strand (T>C on the coding strand, the complement: OPN1SW is on the minus strand). VCF-style: chr7-128775559-A-G. GRCh37 (hg19) VCF-style: chr7-128415613-A-G.
Other names: short protein forms F75L.
Identifiers: ClinVar variation 3678554 (VCV003678554.2).

ClinVar aggregate classification (germline): Uncertain significance (1 of 4 stars; one submission).

gnomAD v4.1: 1 of 1,614,142 alleles (0.000062%); highest among the groups gnomAD compares: Non-Finnish European, 0.000085%; no homozygotes.

Submission:

Labcorp Genetics (formerly Invitae), Labcorp
Classification: Uncertain significance. Last evaluated: 2024-05-05. Review status: criteria provided, single submitter. Criteria: Invitae Variant Classification Sherloc (09022015). Collection method: clinical testing. Allele origin: germline.
Comment: This sequence change replaces phenylalanine, which is neutral and non-polar, with leucine, which is neutral and non-polar, at codon 78 of the OPN1SW protein (p.Phe78Leu). This variant is present in population databases (rs764605334, gnomAD 0.0009%). This variant has not been reported in the literature in individuals affected with OPN1SW-related conditions. Algorithms developed to predict the effect of missense changes on protein structure and function output the following: SIFT: "Not Available"; PolyPhen-2: "Benign"; Align-GVGD: "Not Available". The leucine amino acid residue is found in multiple mammalian species, which suggests that this missense change does not adversely affect protein function. In summary, the available evidence is currently insufficient to determine the role of this variant in disease. Therefore, it has been classified as a Variant of Uncertain Significance.